The following is an entry in ClinVar:

NM_170682.4(P2RX2):c.310-2A>G

Gene: P2RX2 (purinergic receptor P2X 2; plus strand). Cytogenetic location: 12q24.33.
Variant type: single nucleotide variant.
Coding change: c.310-2A>G on transcript NM_170682.4 (MANE Select); the canonical splice acceptor site of the intron before coding-DNA position 310, A replaced by G.
Molecular consequence: splice acceptor variant. On other transcripts: intron variant (4).
Genome position (GRCh38, 1-based): chr12:132,619,677, A>G. VCF-style: chr12-132619677-A-G. GRCh37 (hg19) VCF-style: chr12-133196263-A-G.
Other names: c.310-2A>G (NM_001282165.2, NM_170683.4, NM_174873.3); c.309+103A>G (NM_016318.4, NM_001282164.2); c.241+103A>G (NM_012226.5); c.106-167A>G (NM_174872.3).
Identifiers: ClinVar variation 4874636 (VCV004874636.2).

ClinVar aggregate classification (germline): Uncertain significance (1 of 4 stars; one submission).

Submission:

CeGaT Center for Human Genetics Tuebingen
Classification: Uncertain significance. Last evaluated: 2026-04-01. Review status: criteria provided, single submitter. Criteria: CeGaT Center For Human Genetics Tuebingen Variant Classification Criteria Version 2. Collection method: clinical testing. Allele origin: germline. Affected: yes. Observed: 1 variant allele.
Comment: P2RX2: PM2, PVS1:Supporting